The following is an entry in ClinVar:

ClinVar aggregate classification (germline): Conflicting classifications of pathogenicity. Review status: criteria provided, conflicting classifications (1 of 4 stars). 8 submissions from 8 submitters: Uncertain significance (1); Likely benign (5). 2 of the submissions do not count toward it. Last evaluated 2024-07-02.

Conditions:
Hereditary breast ovarian cancer syndrome. Also called: Breast and ovarian cancer; Hereditary breast and ovarian cancer; Hereditary breast and ovarian cancer syndrome; BRCA1- and BRCA2-Associated Hereditary Breast and Ovarian Cancer; Hereditary breast and ovarian cancer syndrome (HBOC); Hereditary breast and/or ovarian cancer syndrome. Identifiers: Orphanet 145, MedGen C0677776, MeSH D061325, MONDO:0003582. Disease mechanism: loss of function.
Breast and/or ovarian cancer. Identifiers: MedGen CN221562.
Hereditary cancer-predisposing syndrome. Also called: Tumor predisposition; Hereditary Cancer Syndrome; Neoplastic Syndromes, Hereditary; Hereditary neoplastic syndrome. Identifiers: Orphanet 140162, MedGen C0027672, MeSH D009386, MONDO:0015356.
Breast-ovarian cancer, familial, susceptibility to, 2 (BROVCA2). Also called: BRCA2 Hereditary Breast and Ovarian Cancer. Identifiers: Orphanet 145, MedGen C2675520, MONDO:0012933, OMIM 612555. Disease mechanism: loss of function.

gnomAD v4.1: 3 of 1,610,724 alleles (0.00019%); highest among the groups gnomAD compares: Non-Finnish European, 0.00017%; no homozygotes.

Submissions (8):

Labcorp Genetics (formerly Invitae), Labcorp
Classification: Likely benign for Hereditary breast ovarian cancer syndrome. Last evaluated: 2024-07-02. Review status: criteria provided, single submitter. Criteria: Invitae Variant Classification Sherloc (09022015). Collection method: clinical testing. Allele origin: germline.

CHEO Genetics Diagnostic Laboratory, Children's Hospital of Eastern Ontario
Classification: Uncertain significance for Breast and/or ovarian cancer. Last evaluated: 2023-05-17. Review status: criteria provided, single submitter. Criteria: ACMG Guidelines, 2015. Collection method: clinical testing. Allele origin: germline.

Women's Health and Genetics/Laboratory Corporation of America, LabCorp
Classification: Likely benign. Last evaluated: 2020-02-07. Review status: criteria provided, single submitter. Criteria: LabCorp Variant Classification Summary - May 2015. Collection method: clinical testing. Allele origin: germline.
Comment: Variant summary: BRCA2 c.7436-10T>C alters a non-conserved nucleotide located close to a canonical splice site and therefore could affect mRNA splicing, leading to a significantly altered protein sequence. 4/4 computational tools predict no significant impact on normal splicing. However, these predictions have yet to be confirmed by functional studies. The variant was absent in 250588 control chromosomes (gnomAD). The available data on variant occurrences in the general population are insufficient to allow any conclusion about variant significance. To our knowledge, no occurrence of c.7436-10T>C in individuals affected with Hereditary Breast and Ovarian Cancer and no experimental evidence demonstrating its impact on protein function have been reported. Co-occurrence with another pathogenic variant has been reported (BRCA2 c.9026_9030delATCAT, p.Tyr3009SerfsX7, UMD database), providing supporting evidence for a benign role. Three ClinVar submitters (evaluation after 2014) cite the variant as likely benign. Based on the evidence outlined above, the variant was classified as likely benign.

Quest Diagnostics Nichols Institute San Juan Capistrano
Classification: Likely benign. Last evaluated: 2019-09-09. Review status: criteria provided, single submitter. Criteria: Quest Diagnostics criteria. Collection method: clinical testing. Allele origin: unknown.

GeneDx
Classification: Likely benign. Last evaluated: 2017-11-28. Review status: criteria provided, single submitter. Criteria: GeneDx Variant Classification (06012015). Collection method: clinical testing. Allele origin: germline. Affected: yes.
Comment: This variant is considered likely benign or benign based on one or more of the following criteria: it is a conservative change, it occurs at a poorly conserved position in the protein, it is predicted to be benign by multiple in silico algorithms, and/or has population frequency not consistent with disease.

Color Diagnostics, LLC DBA Color Health
Classification: Likely benign for Hereditary cancer-predisposing syndrome. Last evaluated: 2017-10-20. Review status: criteria provided, single submitter. Criteria: ACMG Guidelines, 2015. Collection method: clinical testing. Allele origin: germline.

Counsyl
Classification: Likely benign for Breast-ovarian cancer, familial, susceptibility to, 2. Last evaluated: 2017-03-23. Review status: no assertion criteria provided. Collection method: clinical testing. Allele origin: unknown. Not counted in ClinVar's aggregate classification.

Sharing Clinical Reports Project (SCRP)
Classification: Likely benign for Breast-ovarian cancer, familial 2. Last evaluated: 2011-11-21. Review status: no assertion criteria provided. Collection method: clinical testing. Allele origin: germline. Not counted in ClinVar's aggregate classification.

NM_000059.4(BRCA2):c.7436-10T>C

Gene: BRCA2 (BRCA2 DNA repair associated; plus strand). Cytogenetic location: 13q13.1.
Variant type: single nucleotide variant.
Coding change: c.7436-10T>C on transcript NM_000059.4 (MANE Select); 10 bases into the intron before coding-DNA position 7436, T replaced by C.
Molecular consequence: intron variant.
Genome position (GRCh38, 1-based): chr13:32,356,418, T>C. VCF-style: chr13-32356418-T-C. GRCh37 (hg19) VCF-style: chr13-32930555-T-C.
Other names: IVS14-10T>C.
Identifiers: ClinVar variation 91478 (VCV000091478.19), dbSNP rs398122582, ClinGen allele CA025081.